The following is an entry in ClinVar:

NM_001111067.4(ACVR1):c.959A>C (p.His320Pro)

Gene: ACVR1 (activin A receptor type 1; minus strand). Cytogenetic location: 2q24.1.
Variant type: single nucleotide variant.
Coding change: c.959A>C on transcript NM_001111067.4 (MANE Select); coding-DNA position 959, A replaced by C.
Protein change: p.His320Pro; replaces histidine 320 with proline.
Molecular consequence: missense variant.
Genome position (GRCh38, 1-based): chr2:157,766,028, T>G on the plus strand (A>C on the coding strand, the complement: ACVR1 is on the minus strand). VCF-style: chr2-157766028-T-G. GRCh37 (hg19) VCF-style: chr2-158622540-T-G.
Other names: c.959A>C, p.His320Pro (NM_001105.5, NM_001347663.1, NM_001347664.1 and 3 more transcripts); short protein forms H320P.
Identifiers: ClinVar variation 3721388 (VCV003721388.2).

ClinVar aggregate classification (germline): Uncertain significance (1 of 4 stars; one submission).

gnomAD v4.1: 1 of 1,614,174 alleles (0.000062%); highest among the groups gnomAD compares: Non-Finnish European, 0.000085%; no homozygotes.

Submission:

Labcorp Genetics (formerly Invitae), Labcorp
Classification: Uncertain significance. Last evaluated: 2024-10-30. Review status: criteria provided, single submitter. Criteria: Invitae Variant Classification Sherloc (09022015). Collection method: clinical testing. Allele origin: germline.
Comment: This sequence change replaces histidine, which is basic and polar, with proline, which is neutral and non-polar, at codon 320 of the ACVR1 protein (p.His320Pro). This variant is not present in population databases (gnomAD no frequency). This variant has not been reported in the literature in individuals affected with ACVR1-related conditions. An algorithm developed to predict the effect of missense changes on protein structure and function (PolyPhen-2) suggests that this variant is likely to be disruptive. In summary, the available evidence is currently insufficient to determine the role of this variant in disease. Therefore, it has been classified as a Variant of Uncertain Significance.